The following is an entry in ClinVar:

ClinVar aggregate classification (germline): Likely pathogenic (1 of 4 stars; one submission).

Conditions:
Glutaric aciduria, type 1. Also called: GA I; Glutaryl-CoA dehydrogenase deficiency; Glutaric acidemia type I; Glutaricacidemia Type 1; Glutaricaciduria, type I; Glutaric Acidemia Type 1. Identifiers: Orphanet 25, MedGen C0268595, MONDO:0009281, OMIM 231670.

Submission:

First Genomix Gene Laboratory, Genetic Diagnostics Department
Classification: Likely pathogenic for Glutaric aciduria, type 1. Last evaluated: 2025-12-28. Review status: criteria provided, single submitter. Criteria: ACMG Guidelines, 2015. Collection method: clinical testing. Allele origin: germline. Inheritance: Autosomal recessive inheritance. Affected: no. Observed: 1 variant allele.

NM_000159.4(GCDH):c.578_579insTCA (p.Thr193_Arg194insHis)

Gene: GCDH (glutaryl-CoA dehydrogenase; plus strand). Cytogenetic location: 19p13.13.
Variant type: Insertion.
Coding change: c.578_579insTCA on transcript NM_000159.4 (MANE Select); coding-DNA positions 578 to 579, TCA inserted.
Protein change: p.Thr193_Arg194insHis.
Molecular consequence: inframe insertion. On other transcripts: non-coding transcript variant (2).
Genome position: GRCh38 VCF-style: chr19-12896064-C-CTCA. GRCh37 (hg19) VCF-style: chr19-13006878-C-CTCA.
Other names: c.578_579insTCA, p.Thr193_Arg194insHis (NM_013976.5).
Identifiers: ClinVar variation 4850622 (VCV004850622.1).